The following is an entry in ClinVar:

ClinVar aggregate classification (germline): Benign (1 of 4 stars; one submission).

Conditions:
Hereditary diffuse gastric adenocarcinoma (HDGC). Also called: DIFFUSE GASTRIC AND LOBULAR BREAST CANCER SYNDROME. Identifiers: Orphanet 26106, MedGen C1708349, MONDO:0007648, OMIM 137215.

gnomAD v4.1: 7 of 1,605,396 alleles (0.00044%); highest among the groups gnomAD compares: South Asian, 0.0077%; no homozygotes.

Submission:

Myriad Genetics, Inc.
Classification: Benign for Hereditary diffuse gastric adenocarcinoma. Last evaluated: 2024-10-16. Review status: criteria provided, single submitter. Criteria: Myriad Autosomal Dominant, Autosomal Recessive and X-Linked Classification Criteria (2023). Collection method: clinical testing. Allele origin: unknown.
Comment: This variant is considered benign. This variant occurs in the non-coding 3' untranslated region of the gene, and is not expected to impact protein function.

NM_001903.5(CTNNA1):c.*7C>T

Gene: CTNNA1 (catenin alpha 1; plus strand). Cytogenetic location: 5q31.2.
Variant type: single nucleotide variant.
Coding change: c.*7C>T on transcript NM_001903.5 (MANE Select); 7 bases downstream of the stop codon, C replaced by T.
Molecular consequence: 3 prime UTR variant.
Genome position (GRCh38, 1-based): chr5:138,934,096, C>T. VCF-style: chr5-138934096-C-T. GRCh37 (hg19) VCF-style: chr5-138269785-C-T.
Other names: c.*7C>T (NM_001323992.1, NM_001323993.1, NM_001323994.1 and 28 more transcripts); c.*273C>T (NM_001324004.1, NM_001324005.1, NM_001324002.1 and 2 more transcripts).
Identifiers: ClinVar variation 3773398 (VCV003773398.1).